The following is an entry in ClinVar:

ClinVar aggregate classification (germline): Uncertain significance (1 of 4 stars; one submission).

Conditions:
Charcot-Marie-Tooth disease axonal type 2O. Also called: Charcot-Marie-Tooth disease, axonal, type 20; Charcot-Marie-Tooth Neuropathy Type 2O; CHARCOT-MARIE-TOOTH NEUROPATHY, AXONAL, TYPE 2O; CHARCOT-MARIE-TOOTH DISEASE, AXONAL, AUTOSOMAL DOMINANT, TYPE 2O. Identifiers: Orphanet 284232, MedGen C3280220, MONDO:0013644, OMIM 614228.

Submission:

Labcorp Genetics (formerly Invitae), Labcorp
Classification: Uncertain significance for Charcot-Marie-Tooth disease axonal type 2O. Last evaluated: 2021-11-27. Review status: criteria provided, single submitter. Criteria: Invitae Variant Classification Sherloc (09022015). Collection method: clinical testing. Allele origin: germline.
Comment: In summary, the available evidence is currently insufficient to determine the role of this variant in disease. Therefore, it has been classified as a Variant of Uncertain Significance. This sequence change replaces isoleucine, which is neutral and non-polar, with serine, which is neutral and polar, at codon 969 of the DYNC1H1 protein (p.Ile969Ser). This variant is not present in population databases (gnomAD no frequency). This variant has not been reported in the literature in individuals affected with DYNC1H1-related conditions. Algorithms developed to predict the effect of missense changes on protein structure and function are either unavailable or do not agree on the potential impact of this missense change (SIFT: "Deleterious"; PolyPhen-2: "Possibly Damaging"; Align-GVGD: "Class C0"). Algorithms developed to predict the effect of sequence changes on RNA splicing suggest that this variant may create or strengthen a splice site.

NM_001376.5(DYNC1H1):c.2906T>G (p.Ile969Ser)

Genes: DYNC1H1 (dynein cytoplasmic 1 heavy chain 1; plus strand), LOC130056502 (ATAC-STARR-seq lymphoblastoid active region 9063; plus strand). Cytogenetic location: 14q32.31.
Variant type: single nucleotide variant.
Coding change: c.2906T>G on transcript NM_001376.5 (MANE Select); coding-DNA position 2906, T replaced by G.
Protein change: p.Ile969Ser; replaces isoleucine 969 with serine.
Molecular consequence: missense variant.
Genome position (GRCh38, 1-based): chr14:101,991,564, T>G. VCF-style: chr14-101991564-T-G. GRCh37 (hg19) VCF-style: chr14-102457901-T-G.
Other names: short protein forms I969S.
Identifiers: ClinVar variation 1406066 (VCV001406066.6), dbSNP rs2141278577, ClinGen allele CA391030238.
Genomic context (GRCh38, chr14:101,991,564, plus strand): 5'-GAAATGAAACCTTTCTTTCACAGAATGTCGTTCATGAGCTAAGAATAACCAATCAGGTAA[T>G]CTACTTGAATCCACCAATTGAAGAGTGCAGATACAAGCTGTATCAGGAAATGTTTGCCTG-3'
Protein context (NP_001367.2, residues 959-979): VHELRITNQV[Ile969Ser]YLNPPIEECR